The following is an entry in ClinVar:

ClinVar aggregate classification (germline): Likely benign (1 of 4 stars; one submission).

gnomAD v4.1: 5 of 1,614,184 alleles (0.00031%); highest among the groups gnomAD compares: Non-Finnish European, 0.00034%; no homozygotes.

Submission:

CeGaT Center for Human Genetics Tuebingen
Classification: Likely benign. Last evaluated: 2025-03-01. Review status: criteria provided, single submitter. Criteria: CeGaT Center For Human Genetics Tuebingen Variant Classification Criteria Version 2. Collection method: clinical testing. Allele origin: germline. Affected: yes. Observed: 1 variant allele.
Comment: SPOP: BP4

NM_001007228.2(SPOP):c.423T>C (p.Phe141=)

Gene: SPOP (speckle type BTB/POZ protein; minus strand). Cytogenetic location: 17q21.33.
Variant type: single nucleotide variant.
Coding change: c.423T>C on transcript NM_001007228.2 (MANE Select); coding-DNA position 423, T replaced by C.
Protein change: p.Phe141=; no amino-acid change (phenylalanine 141 retained).
Molecular consequence: synonymous variant.
Genome position (GRCh38, 1-based): chr17:49,619,038, A>G on the plus strand (T>C on the coding strand, the complement: SPOP is on the minus strand). VCF-style: chr17-49619038-A-G. GRCh37 (hg19) VCF-style: chr17-47696400-A-G.
Other names: c.423T>C, p.Phe141= (NM_001370732.1, NM_003563.3, NM_001007226.1 and 5 more transcripts).
Identifiers: ClinVar variation 3778241 (VCV003778241.7).